The following is an entry in ClinVar:

ClinVar aggregate classification (germline): Uncertain significance (1 of 4 stars; one submission).

Conditions:
Perlman syndrome (PRLMNS). Identifiers: Orphanet 2849, MedGen C0796113, MONDO:0009965, OMIM 267000.

Allele frequency attached by ClinVar (database versions not stated): gnomAD exomes 0.00001.
gnomAD v4.1: 9 of 1,614,040 alleles (0.00056%); highest among the groups gnomAD compares: Non-Finnish European, 0.00076%; no homozygotes.

Submission:

Labcorp Genetics (formerly Invitae), Labcorp
Classification: Uncertain significance for Perlman syndrome. Last evaluated: 2025-07-31. Review status: criteria provided, single submitter. Criteria: Invitae Variant Classification Sherloc (09022015). Collection method: clinical testing. Allele origin: germline.
Comment: This sequence change replaces leucine, which is neutral and non-polar, with valine, which is neutral and non-polar, at codon 13 of the DIS3L2 protein (p.Leu13Val). This variant is not present in population databases (gnomAD no frequency). This variant has not been reported in the literature in individuals affected with DIS3L2-related conditions. ClinVar contains an entry for this variant (Variation ID: 1448323). An algorithm developed to predict the effect of missense changes on protein structure and function (PolyPhen-2) suggests that this variant is likely to be disruptive. In summary, the available evidence is currently insufficient to determine the role of this variant in disease. Therefore, it has been classified as a Variant of Uncertain Significance.

NM_152383.5(DIS3L2):c.37C>G (p.Leu13Val)

Gene: DIS3L2 (DIS3 like 3'-5' exoribonuclease 2; plus strand). Cytogenetic location: 2q37.1.
Variant type: single nucleotide variant.
Coding change: c.37C>G on transcript NM_152383.5 (MANE Select); coding-DNA position 37, C replaced by G.
Protein change: p.Leu13Val; replaces leucine 13 with valine.
Molecular consequence: missense variant. On other transcripts: non-coding transcript variant (2).
Genome position (GRCh38, 1-based): chr2:232,014,964, C>G. VCF-style: chr2-232014964-C-G. GRCh37 (hg19) VCF-style: chr2-232879674-C-G.
Other names: c.37C>G, p.Leu13Val (NM_001257281.2, NM_001257282.2); short protein forms L13V.
Identifiers: ClinVar variation 1448323 (VCV001448323.8), dbSNP rs554832054, ClinGen allele CA351151094.